The following is an entry in ClinVar:

NM_000059.4(BRCA2):c.8904C>T (p.Thr2968=)

Gene: BRCA2 (BRCA2 DNA repair associated; plus strand). Cytogenetic location: 13q13.1.
Variant type: single nucleotide variant.
Coding change: c.8904C>T on transcript NM_000059.4 (MANE Select); coding-DNA position 8904, C replaced by T.
Protein change: p.Thr2968=; no amino-acid change (threonine 2968 retained).
Molecular consequence: synonymous variant.
Genome position (GRCh38, 1-based): chr13:32,379,466, C>T. VCF-style: chr13-32379466-C-T. GRCh37 (hg19) VCF-style: chr13-32953603-C-T.
Identifiers: ClinVar variation 220336 (VCV000220336.32), dbSNP rs41293519, ClinGen allele CA350041.

ClinVar aggregate classification (germline): Likely benign. Review status: reviewed by expert panel (3 of 4 stars). 10 submissions from 10 submitters: Likely benign (1). 9 of the submissions do not count toward it. Last evaluated 2017-06-29.

Conditions:
Hereditary cancer-predisposing syndrome. Also called: Neoplastic Syndromes, Hereditary; Hereditary Cancer Syndrome; Tumor predisposition; Hereditary neoplastic syndrome. Identifiers: Orphanet 140162, MedGen C0027672, MeSH D009386, MONDO:0015356.
Breast and/or ovarian cancer. Identifiers: MedGen CN221562.
Hereditary breast ovarian cancer syndrome. Also called: BRCA1- and BRCA2-Associated Hereditary Breast and Ovarian Cancer; Hereditary breast and ovarian cancer syndrome (HBOC); Hereditary breast and ovarian cancer syndrome; Hereditary breast and ovarian cancer; Hereditary breast and/or ovarian cancer syndrome; Breast and ovarian cancer. Identifiers: Orphanet 145, MedGen C0677776, MeSH D061325, MONDO:0003582. Disease mechanism: loss of function.
Breast-ovarian cancer, familial, susceptibility to, 2 (BROVCA2). Also called: BRCA2 Hereditary Breast and Ovarian Cancer. Identifiers: Orphanet 145, MedGen C2675520, MONDO:0012933, OMIM 612555. Disease mechanism: loss of function.

Allele frequency attached by ClinVar (database versions not stated): ExAC 0.00001; gnomAD 0.00001; gnomAD exomes 0.00002; TOPMed 0.00002.
gnomAD v4.1: 73 of 1,612,946 alleles (0.0045%); highest among the groups gnomAD compares: Non-Finnish European, 0.0057%; no homozygotes.

Submissions (10):

Evidence-based Network for the Interpretation of Germline Mutant Alleles (ENIGMA)
Classification: Likely benign for Breast-ovarian cancer, familial, susceptibility to, 2. Last evaluated: 2017-06-29. Review status: reviewed by expert panel. Criteria: ENIGMA BRCA1/2 Classification Criteria (2017-06-29). Collection method: curation. Allele origin: germline.
Comment: Synonymous substitution variant, with low bioinformatic likelihood to result in a splicing aberration (Splicing prior probability 0.02).

Labcorp Genetics (formerly Invitae), Labcorp
Classification: Likely benign for Hereditary breast ovarian cancer syndrome. Last evaluated: 2026-01-10. Review status: criteria provided, single submitter. Criteria: Invitae Variant Classification Sherloc (09022015). Collection method: clinical testing. Allele origin: germline. Not counted in ClinVar's aggregate classification.

CeGaT Center for Human Genetics Tuebingen
Classification: Likely benign. Last evaluated: 2025-09-01. Review status: criteria provided, single submitter. Criteria: CeGaT Center For Human Genetics Tuebingen Variant Classification Criteria Version 2. Collection method: clinical testing. Allele origin: germline. Affected: yes. Observed: 1 variant allele. Not counted in ClinVar's aggregate classification.
Comment: BRCA2: BP4, BP7

Blueprint Genetics
Classification: Likely benign. Last evaluated: 2024-03-06. Review status: criteria provided, single submitter. Criteria: ACMG Guidelines, 2015. Collection method: clinical testing. Allele origin: germline. Not counted in ClinVar's aggregate classification.

All of Us Research Program, National Institutes of Health
Classification: Likely benign for Breast-ovarian cancer, familial, susceptibility to, 2. Last evaluated: 2024-01-03. Review status: criteria provided, single submitter. Criteria: ACMG Guidelines, 2015. Collection method: clinical testing. Allele origin: germline. Inheritance: Autosomal dominant inheritance. Observed: 5 variant alleles, 5 heterozygotes. Not counted in ClinVar's aggregate classification.
Comment: This study involves interpretation of variants in research participants for the purpose of population health screening. Participant phenotype was not available at the time of variant classification. Additional details can be found in publication PMID: 35346344, PMCID: PMC8962531

GeneDx
Classification: Likely benign. Last evaluated: 2021-05-24. Review status: criteria provided, single submitter. Criteria: GeneDx Variant Classification Process June 2021. Collection method: clinical testing. Allele origin: germline. Affected: yes. Not counted in ClinVar's aggregate classification.
Comment: This variant is associated with the following publications: (PMID: 21120943, 17724471)

Women's Health and Genetics/Laboratory Corporation of America, LabCorp
Classification: Likely benign. Last evaluated: 2021-01-29. Review status: criteria provided, single submitter. Criteria: LabCorp Variant Classification Summary - May 2015. Collection method: clinical testing. Allele origin: germline. Not counted in ClinVar's aggregate classification.

CHEO Genetics Diagnostic Laboratory, Children's Hospital of Eastern Ontario
Classification: Likely benign for Breast and/or ovarian cancer. Last evaluated: 2018-03-07. Review status: criteria provided, single submitter. Criteria: ACMG Guidelines, 2015. Collection method: clinical testing. Allele origin: germline. Not counted in ClinVar's aggregate classification.

Color Diagnostics, LLC DBA Color Health
Classification: Likely benign for Hereditary cancer-predisposing syndrome. Last evaluated: 2017-09-22. Review status: criteria provided, single submitter. Criteria: ACMG Guidelines, 2015. Collection method: clinical testing. Allele origin: germline. Not counted in ClinVar's aggregate classification.

Ambry Genetics
Classification: Likely benign for Hereditary cancer-predisposing syndrome. Last evaluated: 2015-04-13. Review status: criteria provided, single submitter. Criteria: Ambry Variant Classification Scheme 2023. Collection method: clinical testing. Allele origin: germline. Not counted in ClinVar's aggregate classification.

Literature cited by the submitters: PubMed 17724471 (cited by Women's Health and Genetics/Laboratory Corporation of America, LabCorp); PubMed 21120943 (cited by Women's Health and Genetics/Laboratory Corporation of America, LabCorp).